The following is an entry in ClinVar:

ClinVar aggregate classification (germline): Conflicting classifications of pathogenicity. Review status: criteria provided, conflicting classifications (1 of 4 stars). 3 submissions from 3 submitters: Pathogenic (1); Uncertain significance (1). 1 of the submissions does not count toward it. Last evaluated 2025-01-27.

Conditions:
TUBA1A-related disorder. Also called: TUBA1A-related condition.

Submissions (3):

Labcorp Genetics (formerly Invitae), Labcorp
Classification: Uncertain significance. Last evaluated: 2025-01-27. Review status: criteria provided, single submitter. Criteria: Invitae Variant Classification Sherloc (09022015). Collection method: clinical testing. Allele origin: germline.
Comment: This sequence change replaces arginine, which is basic and polar, with cysteine, which is neutral and slightly polar, at codon 214 of the TUBA1A protein (p.Arg214Cys). This variant is not present in population databases (gnomAD no frequency). This variant has not been reported in the literature in individuals affected with TUBA1A-related conditions. ClinVar contains an entry for this variant (Variation ID: 1187068). Invitae Evidence Modeling of protein sequence and biophysical properties (such as structural, functional, and spatial information, amino acid conservation, physicochemical variation, residue mobility, and thermodynamic stability) indicates that this missense variant is not expected to disrupt TUBA1A protein function with a negative predictive value of 80%. This variant disrupts the p.Arg214 amino acid residue in TUBA1A. Other variant(s) that disrupt this residue have been determined to be pathogenic (PMID: 24860126, 26130693, 29158550; internal data). This suggests that this residue is clinically significant, and that variants that disrupt this residue are likely to be disease-causing. In summary, the available evidence is currently insufficient to determine the role of this variant in disease. Therefore, it has been classified as a Variant of Uncertain Significance.

GeneDx
Classification: Pathogenic. Last evaluated: 2024-09-26. Review status: criteria provided, single submitter. Criteria: GeneDx Variant Classification Process June 2021. Collection method: clinical testing. Allele origin: germline. Affected: yes.
Comment: Not observed at significant frequency in large population cohorts (gnomAD); Missense variants in this gene are a common cause of disease and they are underrepresented in the general population; In silico analysis supports that this missense variant has a deleterious effect on protein structure/function; This variant is associated with the following publications: (PMID: 25059107, 24860126, 26130693, 33726816)

PreventionGenetics, part of Exact Sciences
Classification: Uncertain significance for TUBA1A-related condition. Last evaluated: 2024-01-02. Review status: no assertion criteria provided. Collection method: clinical testing. Allele origin: germline. Not counted in ClinVar's aggregate classification.
Comment: The TUBA1A c.640C>T variant is predicted to result in the amino acid substitution p.Arg214Cys. This variant has been reported de novo in an individual with an unknown phenotype in a large whole genome sequencing cohort (Table S7, Stranneheim et al 2021. PubMed ID: 33726816). This variant has not been reported in a large population database, indicating this variant is rare. A different missense variant at the same amino acid (p.Arg214His) has been reported de novo in multiple individuals with TUBA1A-related tubulinopathies (Bahi-Buisson et al. 2014. PubMed ID: 24860126; Hebebrand et al. 2019. PubMed ID: 30744660) and is interpreted as pathogenic in ClinVar. Although we suspect that the p.Arg214Cys variant may be pathogenic, the clinical significance of this variant is uncertain at this time due to the absence of conclusive functional and genetic evidence.

Literature cited by the submitters: PubMed 24860126 (cited by Labcorp Genetics (formerly Invitae), Labcorp); PubMed 26130693 (cited by Labcorp Genetics (formerly Invitae), Labcorp); PubMed 29158550 (cited by Labcorp Genetics (formerly Invitae), Labcorp).

NM_006009.4(TUBA1A):c.640C>T (p.Arg214Cys)

Gene: TUBA1A (tubulin alpha 1a; minus strand). Cytogenetic location: 12q13.12.
Variant type: single nucleotide variant.
Coding change: c.640C>T on transcript NM_006009.4 (MANE Select); coding-DNA position 640, C replaced by T.
Protein change: p.Arg214Cys; replaces arginine 214 with cysteine.
Molecular consequence: missense variant.
Genome position (GRCh38, 1-based): chr12:49,185,726, G>A on the plus strand (C>T on the coding strand, the complement: TUBA1A is on the minus strand). VCF-style: chr12-49185726-G-A. GRCh37 (hg19) VCF-style: chr12-49579509-G-A.
Other names: c.640C>T, p.Arg214Cys (NM_001270399.2); c.535C>T, p.Arg179Cys (NM_001270400.2); c.640C>T (NM_006009.3); short protein forms R179C, R214C.
Identifiers: ClinVar variation 1187068 (VCV001187068.5), dbSNP rs886044568, ClinGen allele CA384641117.